The following is an entry in ClinVar:

NM_000203.5(IDUA):c.1498C>T (p.Gln500Ter)

Gene: IDUA (alpha-L-iduronidase; plus strand). Cytogenetic location: 4p16.3.
Variant type: single nucleotide variant.
Coding change: c.1498C>T on transcript NM_000203.5 (MANE Select); coding-DNA position 1498, C replaced by T.
Protein change: p.Gln500Ter; replaces glutamine 500 with a stop codon.
Molecular consequence: nonsense. On other transcripts: non-coding transcript variant (1).
Genome position (GRCh38, 1-based): chr4:1,003,131, C>T. VCF-style: chr4-1003131-C-T. GRCh37 (hg19) VCF-style: chr4-996919-C-T.
Other names: c.1102C>T, p.Gln368Ter (NM_001363576.1); short protein forms Q368*, Q500*.
Identifiers: ClinVar variation 1457109 (VCV001457109.6), dbSNP rs1290558249, ClinGen allele CA355964724.

ClinVar aggregate classification (germline): Pathogenic (1 of 4 stars; one submission).

Conditions:
Mucopolysaccharidosis type 1. Also called: IDUA deficiency; MPS I; Mucopolysaccharidosis Type I. Identifiers: Orphanet 579, MedGen C0023786, MONDO:0001586.

Submission:

Labcorp Genetics (formerly Invitae), Labcorp
Classification: Pathogenic for Mucopolysaccharidosis type 1. Last evaluated: 2024-01-27. Review status: criteria provided, single submitter. Criteria: Invitae Variant Classification Sherloc (09022015). Collection method: clinical testing. Allele origin: germline.
Comment: This sequence change creates a premature translational stop signal (p.Gln500*) in the IDUA gene. It is expected to result in an absent or disrupted protein product. Loss-of-function variants in IDUA are known to be pathogenic (PMID: 11735025, 21480867). This variant is not present in population databases (gnomAD no frequency). This variant has not been reported in the literature in individuals affected with IDUA-related conditions. ClinVar contains an entry for this variant (Variation ID: 1457109). For these reasons, this variant has been classified as Pathogenic.

Literature cited by the submitters: PubMed 11735025; PubMed 21480867.